The following is an entry in ClinVar:

ClinVar aggregate classification (germline): Benign (1 of 4 stars; one submission).

Conditions:
Familial cancer of breast. Also called: Hereditary breast cancer; hereditary breast carcinoma; BREAST CANCER, FAMILIAL. Identifiers: Orphanet 227535, MedGen C0346153, MONDO:0016419, OMIM 114480. Disease mechanism: loss of function.

Submission:

Myriad Genetics, Inc.
Classification: Benign for Familial cancer of breast. Last evaluated: 2025-01-16. Review status: criteria provided, single submitter. Criteria: Myriad Autosomal Dominant, Autosomal Recessive and X-Linked Classification Criteria (2023). Collection method: clinical testing. Allele origin: unknown.
Comment: This variant is considered benign. This variant is a silent/synonymous amino acid change and it is not expected to impact splicing.

NM_024675.4(PALB2):c.2412T>A (p.Ser804=)

Gene: PALB2 (partner and localizer of BRCA2; minus strand). Cytogenetic location: 16p12.2.
Variant type: single nucleotide variant.
Coding change: c.2412T>A on transcript NM_024675.4 (MANE Select); coding-DNA position 2412, T replaced by A.
Protein change: p.Ser804=; no amino-acid change (serine 804 retained).
Molecular consequence: synonymous variant. On other transcripts: intron variant (1).
Genome position (GRCh38, 1-based): chr16:23,629,742, A>T on the plus strand (T>A on the coding strand, the complement: PALB2 is on the minus strand). VCF-style: chr16-23629742-A-T. GRCh37 (hg19) VCF-style: chr16-23641063-A-T.
Other names: c.2352T>A, p.Ser784= (NM_001407296.1); c.2412T>A, p.Ser804= (NM_001407297.1, NM_001407298.1, NM_001407299.1 and 3 more transcripts); c.1527T>A, p.Ser509= (NM_001407304.1, NM_001407305.1, NM_001407306.1 and 5 more transcripts); c.624T>A, p.Ser208= (NM_001407312.1, NM_001407313.1); c.49-467T>A (NM_001407314.1).
Identifiers: ClinVar variation 3904066 (VCV003904066.1).
Genomic context (GRCh38, chr16:23,629,742, plus strand): 5'-ACAGAGCTGATTTTCTTTAAAAGTGAATGACTCAATGGGTGGAGGTGTTCCTGGCGGGAC[A>T]GAGTCACAGTCACAGGTAGGTTGTCCTTGCCTGCCTGACACTTGCAGGGTGGTATGTGGT-3'
Protein context (NP_078951.2, residues 794-814): RQGQPTCDCD[Ser804=]VPPGTPPPIE